The following is an entry in ClinVar:

ClinVar aggregate classification (germline): Uncertain significance (0 of 4 stars; one submission).

Conditions:
HCN1-related disorder. Also called: HCN1-related condition; HCN1-related disorders.

Submission:

PreventionGenetics, part of Exact Sciences
Classification: Uncertain significance for HCN1-related condition. Last evaluated: 2024-04-02. Review status: no assertion criteria provided. Collection method: clinical testing. Allele origin: germline.
Comment: The HCN1 c.367G>T variant is predicted to result in premature protein termination (p.Glu123*). To our knowledge, this variant has not been reported in the literature or in a large population database, indicating this variant is rare. Loss of function has not been conclusively established as a mechanism for HCN1-related disorders. At this time, the clinical significance of this variant is uncertain due to the absence of conclusive functional and genetic evidence.

NM_021072.4(HCN1):c.367G>T (p.Glu123Ter)

Gene: HCN1 (hyperpolarization activated cyclic nucleotide gated potassium channel 1; minus strand). Cytogenetic location: 5p12.
Variant type: single nucleotide variant.
Coding change: c.367G>T on transcript NM_021072.4 (MANE Select); coding-DNA position 367, G replaced by T.
Protein change: p.Glu123Ter; replaces glutamic acid 123 with a stop codon.
Molecular consequence: nonsense.
Genome position (GRCh38, 1-based): chr5:45,695,727, C>A on the plus strand (G>T on the coding strand, the complement: HCN1 is on the minus strand). VCF-style: chr5-45695727-C-A. GRCh37 (hg19) VCF-style: chr5-45695829-C-A.
Other names: short protein forms E123*.
Identifiers: ClinVar variation 3349183 (VCV003349183.1).